The following is an entry in ClinVar:

NM_021831.6(AGBL5):c.133G>A (p.Gly45Ser)

Gene: AGBL5 (AGBL carboxypeptidase 5; plus strand). Cytogenetic location: 2p23.3.
Variant type: single nucleotide variant.
Coding change: c.133G>A on transcript NM_021831.6 (MANE Select); coding-DNA position 133, G replaced by A.
Protein change: p.Gly45Ser; replaces glycine 45 with serine.
Molecular consequence: missense variant. On other transcripts: non-coding transcript variant (2).
Genome position (GRCh38, 1-based): chr2:27,053,091, G>A. VCF-style: chr2-27053091-G-A. GRCh37 (hg19) VCF-style: chr2-27275959-G-A.
Other names: c.133G>A, p.Gly45Ser (NM_001035506.1, NM_001035507.3); short protein forms G45S.
Identifiers: ClinVar variation 2079597 (VCV002079597.4), dbSNP rs2465432258, ClinGen allele CA346167536.
Genomic context (GRCh38, chr2:27,053,091, plus strand): 5'-GTGGAATCTTTGTCCAGTGATGGGGAAGGGGTAGGAGGTGGGGCGTCAGCCCTGACCAGT[G>A]GCATTGCCTCTTCCCCTGACTATGAATTCAACGTGTGGACCCGACCAGACTGTGCTGAAA-3'
Protein context (NP_068603.4, residues 35-55): VGGGASALTS[Gly45Ser]IASSPDYEFN

ClinVar aggregate classification (germline): Uncertain significance (1 of 4 stars; one submission).

Submission:

Labcorp Genetics (formerly Invitae), Labcorp
Classification: Uncertain significance. Last evaluated: 2022-11-08. Review status: criteria provided, single submitter. Criteria: Invitae Variant Classification Sherloc (09022015). Collection method: clinical testing. Allele origin: germline.
Comment: In summary, the available evidence is currently insufficient to determine the role of this variant in disease. Therefore, it has been classified as a Variant of Uncertain Significance. Algorithms developed to predict the effect of missense changes on protein structure and function output the following: SIFT: "Tolerated"; PolyPhen-2: "Benign"; Align-GVGD: "Class C0". The serine amino acid residue is found in multiple mammalian species, which suggests that this missense change does not adversely affect protein function. This variant has not been reported in the literature in individuals affected with AGBL5-related conditions. This variant is not present in population databases (gnomAD no frequency). This sequence change replaces glycine, which is neutral and non-polar, with serine, which is neutral and polar, at codon 45 of the AGBL5 protein (p.Gly45Ser).